The following is an entry in ClinVar:

ClinVar aggregate classification (germline): Uncertain significance. Review status: criteria provided, multiple submitters, no conflicts (2 of 4 stars). 2 submissions from 2 submitters: Uncertain significance (2). Last evaluated 2025-04-09.

Conditions:
Cardiovascular phenotype. Identifiers: MedGen CN230736.
Hypertrophic cardiomyopathy. Also called: HYPERTROPHIC MYOCARDIOPATHY. Identifiers: Orphanet 217569, MedGen C0007194, MeSH D002312, MONDO:0005045, HP:0001639.

gnomAD v4.1: 2 of 1,613,958 alleles (0.00012%); highest among the groups gnomAD compares: Admixed American, 0.0033%; no homozygotes.

Submissions (2):

Molecular Diagnostic Laboratory for Inherited Cardiovascular Disease, Montreal Heart Institute
Classification: Uncertain significance for Cardiovascular phenotype. Last evaluated: 2025-04-09. Review status: criteria provided, single submitter. Criteria: ACMG Guidelines, 2015. Collection method: clinical testing. Allele origin: germline. Affected: yes.

Labcorp Genetics (formerly Invitae), Labcorp
Classification: Uncertain significance for Hypertrophic cardiomyopathy. Last evaluated: 2024-06-22. Review status: criteria provided, single submitter. Criteria: Invitae Variant Classification Sherloc (09022015). Collection method: clinical testing. Allele origin: germline.
Comment: This sequence change replaces threonine, which is neutral and polar, with asparagine, which is neutral and polar, at codon 658 of the MYBPC3 protein (p.Thr658Asn). This variant is not present in population databases (gnomAD no frequency). This variant has not been reported in the literature in individuals affected with MYBPC3-related conditions. ClinVar contains an entry for this variant (Variation ID: 1040685). An algorithm developed to predict the effect of missense changes on protein structure and function (PolyPhen-2) suggests that this variant is likely to be disruptive. In summary, the available evidence is currently insufficient to determine the role of this variant in disease. Therefore, it has been classified as a Variant of Uncertain Significance.

NM_000256.3(MYBPC3):c.1973C>A (p.Thr658Asn)

Gene: MYBPC3 (myosin binding protein C3; minus strand). Cytogenetic location: 11p11.2.
Variant type: single nucleotide variant.
Coding change: c.1973C>A on transcript NM_000256.3 (MANE Select); coding-DNA position 1973, C replaced by A.
Protein change: p.Thr658Asn; replaces threonine 658 with asparagine.
Molecular consequence: missense variant.
Genome position (GRCh38, 1-based): chr11:47,339,745, G>T on the plus strand (C>A on the coding strand, the complement: MYBPC3 is on the minus strand). VCF-style: chr11-47339745-G-T. GRCh37 (hg19) VCF-style: chr11-47361296-G-T.
Other names: short protein forms T658N.
Identifiers: ClinVar variation 1040685 (VCV001040685.7), dbSNP rs766213616, ClinGen allele CA221691247.